The following is an entry in ClinVar:

NM_024757.5(EHMT1):c.497G>C (p.Ser166Thr)

Gene: EHMT1 (euchromatic histone lysine methyltransferase 1; plus strand). Cytogenetic location: 9q34.3.
Variant type: single nucleotide variant.
Coding change: c.497G>C on transcript NM_024757.5 (MANE Select); coding-DNA position 497, G replaced by C.
Protein change: p.Ser166Thr; replaces serine 166 with threonine.
Molecular consequence: missense variant.
Genome position (GRCh38, 1-based): chr9:137,717,037, G>C. VCF-style: chr9-137717037-G-C. GRCh37 (hg19) VCF-style: chr9-140611489-G-C.
Other names: c.497G>C, p.Ser166Thr (NM_001145527.2, NM_001354263.2, NM_001354611.2); c.404G>C, p.Ser135Thr (NM_001354259.2, NM_001354612.2); short protein forms S135T, S166T.
Identifiers: ClinVar variation 2143314 (VCV002143314.4), dbSNP rs778503301, ClinGen allele CA375765391.

ClinVar aggregate classification (germline): Uncertain significance (1 of 4 stars; one submission).

Conditions:
Kleefstra syndrome 1 (KLEFS1). Identifiers: Orphanet 261494, MedGen C0795833, MONDO:0027407, OMIM 610253.

gnomAD v4.1: 2 of 1,607,178 alleles (0.00012%); no homozygotes.

Submission:

Labcorp Genetics (formerly Invitae), Labcorp
Classification: Uncertain significance for Kleefstra syndrome 1. Last evaluated: 2022-09-25. Review status: criteria provided, single submitter. Criteria: Invitae Variant Classification Sherloc (09022015). Collection method: clinical testing. Allele origin: germline.
Comment: In summary, the available evidence is currently insufficient to determine the role of this variant in disease. Therefore, it has been classified as a Variant of Uncertain Significance. Algorithms developed to predict the effect of missense changes on protein structure and function (SIFT, PolyPhen-2, Align-GVGD) all suggest that this variant is likely to be tolerated. This variant has not been reported in the literature in individuals affected with EHMT1-related conditions. This variant is not present in population databases (gnomAD no frequency). This sequence change replaces serine, which is neutral and polar, with threonine, which is neutral and polar, at codon 166 of the EHMT1 protein (p.Ser166Thr).